The following is an entry in ClinVar:

NM_001029883.3(PCARE):c.3319G>A (p.Asp1107Asn)

Gene: PCARE (photoreceptor cilium actin regulator; minus strand). Cytogenetic location: 2p23.2.
Variant type: single nucleotide variant.
Coding change: c.3319G>A on transcript NM_001029883.3 (MANE Select); coding-DNA position 3319, G replaced by A.
Protein change: p.Asp1107Asn; replaces aspartic acid 1107 with asparagine.
Molecular consequence: missense variant.
Genome position (GRCh38, 1-based): chr2:29,070,943, C>T on the plus strand (G>A on the coding strand, the complement: PCARE is on the minus strand). VCF-style: chr2-29070943-C-T. GRCh37 (hg19) VCF-style: chr2-29293809-C-T.
Other names: c.3319G>A (NM_001029883.2); short protein forms D1107N.
Identifiers: ClinVar variation 4954416 (VCV004954416.2).

ClinVar aggregate classification (germline): Uncertain significance. Review status: criteria provided, multiple submitters, no conflicts (2 of 4 stars). 2 submissions from 2 submitters: Uncertain significance (2). Last evaluated 2026-03-25.

Conditions:
PCARE-related disorder. Also called: PCARE-related condition.

gnomAD v4.1: 143 of 1,612,218 alleles (0.0089%); highest among the groups gnomAD compares: South Asian, 0.11%; 1 homozygote.

Submissions (2):

PreventionGenetics, part of Exact Sciences
Classification: Uncertain significance for PCARE-related condition. Last evaluated: 2026-03-25. Review status: criteria provided, single submitter. Criteria: ACMG Guidelines, 2015. Collection method: clinical testing. Allele origin: germline.
Comment: The PCARE c.3319G>A variant is predicted to result in the amino acid substitution p.Asp1107Asn. To our knowledge, this variant has not been reported in the literature. This variant is reported in 0.095% of alleles in individuals of South Asian descent in gnomAD, which may be too frequent to be a primary cause of disease. Although we suspect that this variant may be benign, at this time, the clinical significance of this variant is uncertain due to the absence of conclusive functional and genetic evidence.

Blueprint Genetics
Classification: Uncertain significance. Last evaluated: 2023-11-03. Review status: criteria provided, single submitter. Criteria: ACMG Guidelines, 2015. Collection method: clinical testing. Allele origin: germline.